The following is an entry in ClinVar:

ClinVar aggregate classification (germline): Uncertain significance (1 of 4 stars; one submission).

Conditions:
Hypertrophic cardiomyopathy. Also called: HYPERTROPHIC MYOCARDIOPATHY. Identifiers: Orphanet 217569, MedGen C0007194, MeSH D002312, MONDO:0005045, HP:0001639.

Submission:

Labcorp Genetics (formerly Invitae), Labcorp
Classification: Uncertain significance for Hypertrophic cardiomyopathy. Last evaluated: 2023-11-03. Review status: criteria provided, single submitter. Criteria: Invitae Variant Classification Sherloc (09022015). Collection method: clinical testing. Allele origin: unknown.
Comment: This variant results in a copy number gain of the genomic region encompassing exon(s) 4-5 of the TNNI3 gene. While the exact position of this variant cannot be determined from the data, sub-genic copy number gains are generally in tandem (PMID: 25640679). This variant is predicted to be in-frame, and likely preserves the integrity of the reading frame. This variant has not been reported in the literature in individuals affected with TNNI3-related conditions. In summary, the available evidence is currently insufficient to determine the role of this variant in disease. Therefore, it has been classified as a Variant of Uncertain Significance.

Literature cited by the submitters: PubMed 25640679.

NC_000019.9:g.(?_55667549)_(55668032_?)dup

Gene: TNNI3 (troponin I3, cardiac type; minus strand). Cytogenetic location: 19q13.42.
Variant type: Duplication.
Identifiers: ClinVar variation 3248367 (VCV003248367.1).